The following is an entry in ClinVar:

NM_001360016.2(G6PD):c.1277A>G (p.Asn426Ser)

Gene: G6PD (glucose-6-phosphate dehydrogenase; minus strand). Cytogenetic location: Xq28.
Variant type: single nucleotide variant.
Coding change: c.1277A>G on transcript NM_001360016.2 (MANE Select); coding-DNA position 1277, A replaced by G.
Protein change: p.Asn426Ser; replaces asparagine 426 with serine.
Molecular consequence: missense variant.
Genome position (GRCh38, 1-based): chrX:154,532,577, T>C on the plus strand (A>G on the coding strand, the complement: G6PD is on the minus strand). VCF-style: chrX-154532577-T-C. GRCh37 (hg19) VCF-style: chrX-153760792-T-C.
Other names: c.1367A>G, p.Asn456Ser (NM_000402.4); c.1277A>G, p.Asn426Ser (NM_001042351.3); short protein forms N426S, N456S.
Identifiers: ClinVar variation 2192380 (VCV002192380.1), dbSNP rs782048405, ClinGen allele CA10566062.

ClinVar aggregate classification (germline): Uncertain significance (1 of 4 stars; one submission).

Conditions:
Anemia, nonspherocytic hemolytic, due to G6PD deficiency (CNSHA1). Also called: ANEMIA, CONGENITAL, NONSPHEROCYTIC HEMOLYTIC, 1; Class I glucose-6-phosphate dehydrogenase deficiency; Favism, susceptibility to; Hemolytic anemia due to G6PD deficiency. Identifiers: Orphanet 466026, MedGen C2720289, MONDO:0010480, OMIM 300908.

Allele frequency attached by ClinVar (database versions not stated): gnomAD exomes below 0.00001; TOPMed below 0.00001; gnomAD 0.00001; ExAC 0.00002.
gnomAD v4.1: 5 of 1,210,754 alleles (0.00041%); highest among the groups gnomAD compares: East Asian, 0.0059%; no homozygotes.

Submission:

Labcorp Genetics (formerly Invitae), Labcorp
Classification: Uncertain significance for Anemia, nonspherocytic hemolytic, due to G6PD deficiency. Last evaluated: 2022-09-10. Review status: criteria provided, single submitter. Criteria: Invitae Variant Classification Sherloc (09022015). Collection method: clinical testing. Allele origin: germline.
Comment: This sequence change replaces asparagine, which is neutral and polar, with serine, which is neutral and polar, at codon 426 of the G6PD protein (p.Asn426Ser). This variant is present in population databases (rs782048405, gnomAD 0.008%). This variant has not been reported in the literature in individuals affected with G6PD-related conditions. Advanced modeling of protein sequence and biophysical properties (such as structural, functional, and spatial information, amino acid conservation, physicochemical variation, residue mobility, and thermodynamic stability) performed at Invitae indicates that this missense variant is not expected to disrupt G6PD protein function. Algorithms developed to predict the effect of sequence changes on RNA splicing suggest that this variant may create or strengthen a splice site. In summary, the available evidence is currently insufficient to determine the role of this variant in disease. Therefore, it has been classified as a Variant of Uncertain Significance.